The following is an entry in ClinVar:

NM_001048174.2(MUTYH):c.74A>C (p.His25Pro)

Gene: MUTYH (mutY DNA glycosylase; minus strand). Cytogenetic location: 1p34.1.
Variant type: single nucleotide variant.
Coding change: c.74A>C on transcript NM_001048174.2 (MANE Select); coding-DNA position 74, A replaced by C.
Protein change: p.His25Pro; replaces histidine 25 with proline.
Molecular consequence: missense variant. On other transcripts: non-coding transcript variant (7), 5 prime UTR variant (7).
Genome position (GRCh38, 1-based): chr1:45,334,432, T>G on the plus strand (A>C on the coding strand, the complement: MUTYH is on the minus strand). VCF-style: chr1-45334432-T-G. GRCh37 (hg19) VCF-style: chr1-45800104-T-G.
Other names: c.74A>C, p.His25Pro (NM_001048171.2, NM_001407070.1, NM_001407071.1 and 15 more transcripts); c.116A>C, p.His39Pro (NM_012222.3, NM_001407069.1, NM_001407073.1 and 2 more transcripts); c.-134A>C (NM_001350651.2, NM_001407082.1); c.-83A>C (NM_001407075.1); c.92A>C, p.His31Pro (NM_001407087.1); c.-139A>C (NM_001407091.1, NM_001293192.2, NM_001293196.2); c.-198A>C (NM_001350650.2); short protein forms H25P, H39P, H31P.
Identifiers: ClinVar variation 4113070 (VCV004113070.1).

ClinVar aggregate classification (germline): Uncertain significance (1 of 4 stars; one submission).

Conditions:
Hereditary cancer-predisposing syndrome. Also called: Tumor predisposition; Neoplastic Syndromes, Hereditary; Hereditary neoplastic syndrome; Hereditary Cancer Syndrome. Identifiers: Orphanet 140162, MedGen C0027672, MeSH D009386, MONDO:0015356.

Submission:

Ambry Genetics
Classification: Uncertain significance for Hereditary cancer-predisposing syndrome. Last evaluated: 2025-08-27. Review status: criteria provided, single submitter. Criteria: Ambry Variant Classification Scheme 2023. Collection method: clinical testing. Allele origin: germline.
Comment: The p.H39P variant (also known as c.116A>C), located in coding exon 2 of the MUTYH gene, results from an A to C substitution at nucleotide position 116. The histidine at codon 39 is replaced by proline, an amino acid with similar properties. This amino acid position is conserved. In addition, this alteration is predicted to be tolerated by in silico analysis. Based on the available evidence, the clinical significance of this variant remains unclear.